The following is an entry in ClinVar:

ClinVar aggregate classification (germline): Pathogenic (1 of 4 stars; one submission).

Conditions:
Severe combined immunodeficiency due to DCLRE1C deficiency (RS-SCID). Also called: SCID, AUTOSOMAL RECESSIVE, T CELL-NEGATIVE, B CELL-NEGATIVE, NK CELL-POSITIVE, WITH SENSITIVITY TO IONIZING RADIATION. Identifiers: Orphanet 275, MedGen C1865371, MONDO:0011225, OMIM 602450.

Submission:

Laboratório de Alta Complexidade, Instituto Fernandes Figueira - FIOCRUZ
Classification: Pathogenic for Severe combined immunodeficiency due to DCLRE1C deficiency. Last evaluated: 2026-09-07. Review status: criteria provided, single submitter. Criteria: ACMG Guidelines, 2015. Collection method: clinical testing. Allele origin: germline. Inheritance: Autosomal recessive inheritance. Affected: yes. Observed: 1 variant allele, 1 homozygote.
Comment: Classified as pathogenic based on a canonical splice-site variant predicted to result in loss of function (PVS1), absence in population databases (PM2_supporting) and segregation with disease in two additional affected siblings from the same family based on internal data (PP1_moderate).

NM_001033855.3(DCLRE1C):c.246+1G>A

Gene: DCLRE1C (DNA cross-link repair 1C; minus strand). Cytogenetic location: 10p13.
Variant type: single nucleotide variant.
Coding change: c.246+1G>A on transcript NM_001033855.3 (MANE Select); the canonical splice donor site of the intron after coding-DNA position 246, G replaced by A.
Molecular consequence: splice donor variant. On other transcripts: intron variant (1).
Genome position (GRCh38, 1-based): chr10:14,945,104, C>T on the plus strand (G>A on the coding strand, the complement: DCLRE1C is on the minus strand). VCF-style: chr10-14945104-C-T. GRCh37 (hg19) VCF-style: chr10-14987103-C-T.
Other names: c.-44+1G>A (NM_001350966.2, NM_001289078.2, NM_022487.4); c.246+1G>A (NM_001350965.2); c.-115+1G>A (NM_001350967.2, NM_001289077.2, NM_001033857.3); c.-44+3932G>A (NM_001289076.2); c.-437+1G>A (NM_001289079.2, NM_001033858.3).
Identifiers: ClinVar variation 5016507 (VCV005016507.1).
Genomic context (GRCh38, chr10:14,945,104, plus strand): 5'-TCTACCTCTAAAAATACTTCCCACTTAAAAAAAATTAAGTTATTAAAAAAATAAAACTTA[C>T]AATTCGTTTCTTCCAAAATCTGTATTTCGGGCTCGTTAACAACAACTCCTTAGTCACAGG-3'